The following is an entry in ClinVar:

NM_000059.4(BRCA2):c.8868A>C (p.Glu2956Asp)

Gene: BRCA2 (BRCA2 DNA repair associated; plus strand). Cytogenetic location: 13q13.1.
Variant type: single nucleotide variant.
Coding change: c.8868A>C on transcript NM_000059.4 (MANE Select); coding-DNA position 8868, A replaced by C.
Protein change: p.Glu2956Asp; replaces glutamic acid 2956 with aspartic acid.
Molecular consequence: missense variant.
Genome position (GRCh38, 1-based): chr13:32,379,430, A>C. VCF-style: chr13-32379430-A-C. GRCh37 (hg19) VCF-style: chr13-32953567-A-C.
Other names: short protein forms E2956D.
Identifiers: ClinVar variation 639597 (VCV000639597.9), dbSNP rs1327465878, ClinGen allele CA387756371.

ClinVar aggregate classification (germline): Uncertain significance (1 of 4 stars; one submission).

Conditions:
Hereditary breast ovarian cancer syndrome. Also called: Hereditary breast and ovarian cancer; Hereditary breast and ovarian cancer syndrome (HBOC); BRCA1- and BRCA2-Associated Hereditary Breast and Ovarian Cancer; Hereditary breast and ovarian cancer syndrome; Hereditary breast and/or ovarian cancer syndrome; Breast and ovarian cancer. Identifiers: Orphanet 145, MedGen C0677776, MeSH D061325, MONDO:0003582. Disease mechanism: loss of function.

Submission:

Labcorp Genetics (formerly Invitae), Labcorp
Classification: Uncertain significance for Hereditary breast ovarian cancer syndrome. Last evaluated: 2018-12-12. Review status: criteria provided, single submitter. Criteria: Invitae Variant Classification Sherloc (09022015). Collection method: clinical testing. Allele origin: germline.
Comment: In summary, the available evidence is currently insufficient to determine the role of this variant in disease. Therefore, it has been classified as a Variant of Uncertain Significance. Algorithms developed to predict the effect of missense changes on protein structure and function are either unavailable or do not agree on the potential impact of this missense change (SIFT: "Deleterious"; PolyPhen-2: "Possibly Damaging"; Align-GVGD: "Class C15"). This variant has not been reported in the literature in individuals with BRCA2-related conditions. This variant is not present in population databases (ExAC no frequency). This sequence change replaces glutamic acid with aspartic acid at codon 2956 of the BRCA2 protein (p.Glu2956Asp). The glutamic acid residue is highly conserved and there is a small physicochemical difference between glutamic acid and aspartic acid.